The following is an entry in ClinVar:

NM_023110.3(FGFR1):c.1078G>C (p.Glu360Gln)

Gene: FGFR1 (fibroblast growth factor receptor 1; minus strand). Cytogenetic location: 8p11.23.
Variant type: single nucleotide variant.
Coding change: c.1078G>C on transcript NM_023110.3 (MANE Select); coding-DNA position 1078, G replaced by C.
Protein change: p.Glu360Gln; replaces glutamic acid 360 with glutamine.
Molecular consequence: missense variant.
Genome position (GRCh38, 1-based): chr8:38,421,800, C>G on the plus strand (G>C on the coding strand, the complement: FGFR1 is on the minus strand). VCF-style: chr8-38421800-C-G. GRCh37 (hg19) VCF-style: chr8-38279318-C-G.
Other names: c.1054G>C, p.Glu352Gln (NM_001174064.2); c.1072G>C, p.Glu358Gln (NM_001174065.2, NM_001354367.2, NM_001354369.2 and 1 more transcripts); c.811G>C, p.Glu271Gln (NM_001174066.2, NM_023105.3); c.1171G>C, p.Glu391Gln (NM_001174067.2); c.805G>C, p.Glu269Gln (NM_001354368.2, NM_001354370.2, NM_023106.3); c.1078G>C, p.Glu360Gln (NM_001174063.2); short protein forms E269Q, E271Q, E352Q, E358Q, E360Q, E391Q.
Identifiers: ClinVar variation 1315537 (VCV001315537.2), dbSNP rs982371464, ClinGen allele CA370734075.

ClinVar aggregate classification (germline): Uncertain significance (1 of 4 stars; one submission).

Submission:

GeneDx
Classification: Uncertain significance. Last evaluated: 2021-10-28. Review status: criteria provided, single submitter. Criteria: GeneDx Variant Classification Process June 2021. Collection method: clinical testing. Allele origin: germline. Affected: yes.
Comment: Has not been previously published as pathogenic or benign to our knowledge; Not observed at significant frequency in large population cohorts (Lek et al., 2016); In silico analysis, which includes protein predictors and evolutionary conservation, supports that this variant does not alter protein structure/function